The following is an entry in ClinVar:

NM_004463.3(FGD1):c.2437A>T (p.Lys813Ter)

Genes: FGD1 (FYVE, RhoGEF and PH domain containing 1; minus strand), TSR2 (TSR2 ribosome maturation factor; plus strand). Cytogenetic location: Xp11.22.
Variant type: single nucleotide variant.
Coding change: c.2437A>T on transcript NM_004463.3 (MANE Select); coding-DNA position 2437, A replaced by T.
Protein change: p.Lys813Ter; replaces lysine 813 with a stop codon.
Molecular consequence: nonsense. On other transcripts: 3 prime UTR variant (5).
Genome position (GRCh38, 1-based): chrX:54,447,454, T>A on the plus strand (A>T on the coding strand, the complement: FGD1 is on the minus strand). VCF-style: chrX-54447454-T-A. GRCh37 (hg19) VCF-style: chrX-54473887-T-A.
Other names: c.*2904T>A (NM_001346789.2, NM_001346790.2, NM_001346791.2 and 2 more transcripts); short protein forms K813*.
Identifiers: ClinVar variation 4279869 (VCV004279869.1).

ClinVar aggregate classification (germline): Likely pathogenic (1 of 4 stars; one submission).

Conditions:
Aarskog syndrome (AAS). Also called: FGD1-Related Faciogenital Dysplasia (Aarskog-Scott Syndrome); FGDY; Aarskog-Scott syndrome, X-linked; Aarskog Scott syndrome; Aarskog disease. Identifiers: Orphanet 915, MedGen C0175701, MONDO:0010589, OMIM 305400.

Submission:

Clinical Genomics Laboratory, Washington University in St. Louis
Classification: Likely pathogenic for Aarskog syndrome. Last evaluated: 2025-07-07. Review status: criteria provided, single submitter. Criteria: ACMG Guidelines, 2015. Collection method: clinical testing. Allele origin: germline. Affected: yes.
Comment: The FGD1 c.2437A>T (p.Lys813*) variant, to our knowledge, has not been reported in the medical literature. This variant is absent from the general population (gnomAD v.4.1.0), indicating it is not a common variant. This variant leads to a premature termination codon that is predicted to lead to nonsense mediated decay. Based on available information and the ACMG/AMP guidelines for variant interpretation (Richards S et al., PMID: 25741868), this variant is classified as likely pathogenic.